The following is an entry in ClinVar:

ClinVar aggregate classification (germline): Uncertain significance (1 of 4 stars; one submission).

Submission:

GeneDx
Classification: Uncertain significance. Last evaluated: 2026-03-27. Review status: criteria provided, single submitter. Criteria: GeneDx Variant Classification Process June 2021. Collection method: clinical testing. Allele origin: germline.
Comment: Not observed at significant frequency in large population cohorts (gnomAD); In silico analysis supports that this missense variant has a deleterious effect on protein structure/function; Has not been previously published as pathogenic or benign to our knowledge

NM_000275.3(OCA2):c.1381A>C (p.Asn461His)

Gene: OCA2 (OCA2 melanosomal transmembrane protein; minus strand). Cytogenetic location: 15q13.1.
Variant type: single nucleotide variant.
Coding change: c.1381A>C on transcript NM_000275.3 (MANE Select); coding-DNA position 1381, A replaced by C.
Protein change: p.Asn461His; replaces asparagine 461 with histidine.
Molecular consequence: missense variant.
Genome position (GRCh38, 1-based): chr15:27,983,467, T>G on the plus strand (A>C on the coding strand, the complement: OCA2 is on the minus strand). VCF-style: chr15-27983467-T-G. GRCh37 (hg19) VCF-style: chr15-28228613-T-G.
Other names: c.1309A>C, p.Asn437His (NM_001300984.2); short protein forms N437H, N461H.
Identifiers: ClinVar variation 5017711 (VCV005017711.1).
Genomic context (GRCh38, chr15:27,983,467, plus strand): 5'-CAGCTCCTCCAATGTTTGTGAAGATCACTTCTGCAATCAGGACTTGTCTTGGATCAAGGT[T>G]GAGCACCTCACACAACCTGTCACAAATGGAGGAAAATGAAAGTAGTCCCACTATACACAT-3'
Protein context (NP_000266.2, residues 451-471): PVTIRLCEVL[Asn461His]LDPRQVLIAE